The following is an entry in ClinVar:

NM_000260.4(MYO7A):c.3427C>G (p.Leu1143Val)

Gene: MYO7A (myosin VIIA; plus strand). Cytogenetic location: 11q13.5.
Variant type: single nucleotide variant.
Coding change: c.3427C>G on transcript NM_000260.4 (MANE Select); coding-DNA position 3427, C replaced by G.
Protein change: p.Leu1143Val; replaces leucine 1143 with valine.
Molecular consequence: missense variant.
Genome position (GRCh38, 1-based): chr11:77,184,639, C>G. VCF-style: chr11-77184639-C-G. GRCh37 (hg19) VCF-style: chr11-76895684-C-G.
Other names: c.3427C>G, p.Leu1143Val (NM_001127180.2); c.3394C>G, p.Leu1132Val (NM_001369365.1); short protein forms L1132V, L1143V.
Identifiers: ClinVar variation 1502325 (VCV001502325.6), dbSNP rs374577373, ClinGen allele CA6198060.

ClinVar aggregate classification (germline): Uncertain significance (1 of 4 stars; one submission).

Allele frequency attached by ClinVar (database versions not stated): gnomAD 0.00001; gnomAD exomes 0.00001 and 0.00002; ESP Exome Variant Server 0.00008; ExAC 0.00012.
gnomAD v4.1: 11 of 1,583,500 alleles (0.00069%); highest among the groups gnomAD compares: Non-Finnish European, 0.00094%; no homozygotes.

Submission:

Labcorp Genetics (formerly Invitae), Labcorp
Classification: Uncertain significance. Last evaluated: 2024-05-23. Review status: criteria provided, single submitter. Criteria: Invitae Variant Classification Sherloc (09022015). Collection method: clinical testing. Allele origin: germline.
Comment: This sequence change replaces leucine, which is neutral and non-polar, with valine, which is neutral and non-polar, at codon 1143 of the MYO7A protein (p.Leu1143Val). This variant is present in population databases (rs374577373, gnomAD 0.005%). This variant has not been reported in the literature in individuals affected with MYO7A-related conditions. ClinVar contains an entry for this variant (Variation ID: 1502325). Advanced modeling of protein sequence and biophysical properties (such as structural, functional, and spatial information, amino acid conservation, physicochemical variation, residue mobility, and thermodynamic stability) has been performed at Invitae for this missense variant, however the output from this modeling did not meet the statistical confidence thresholds required to predict the impact of this variant on MYO7A protein function. In summary, the available evidence is currently insufficient to determine the role of this variant in disease. Therefore, it has been classified as a Variant of Uncertain Significance.